The following is an entry in ClinVar:

NM_001267550.2(TTN):c.106771G>C (p.Glu35591Gln)

Genes: TTN-AS1 (TTN antisense RNA 1; plus strand), TTN (titin; minus strand). Cytogenetic location: 2q31.2.
Variant type: single nucleotide variant.
Coding change: c.106771G>C on transcript NM_001267550.2 (MANE Select); coding-DNA position 106771, G replaced by C.
Protein change: p.Glu35591Gln; replaces glutamic acid 35591 with glutamine.
Molecular consequence: missense variant.
Genome position (GRCh38, 1-based): chr2:178,528,980, C>G on the plus strand (G>C on the coding strand, the complement: TTN is on the minus strand). VCF-style: chr2-178528980-C-G. GRCh37 (hg19) VCF-style: chr2-179393707-C-G.
Other names: c.101848G>C, p.Glu33950Gln (NM_001256850.1); c.79576G>C, p.Glu26526Gln (NM_003319.4); c.99067G>C, p.Glu33023Gln (NM_133378.4); c.79951G>C, p.Glu26651Gln (NM_133432.3); c.80152G>C, p.Glu26718Gln (NM_133437.4); short protein forms E26718Q, E26526Q, E26651Q, E33023Q, E33950Q, E35591Q.
Identifiers: ClinVar variation 941412 (VCV000941412.9), dbSNP rs935554305, ClinGen allele CA349403150.

ClinVar aggregate classification (germline): Uncertain significance (1 of 4 stars; one submission).

Conditions:
Dilated cardiomyopathy 1G (CMD1G). Identifiers: Orphanet 154, MedGen C1858763, MONDO:0011400, OMIM 604145.
Autosomal recessive limb-girdle muscular dystrophy type 2J (LGMDR10). Also called: Limb-girdle muscular dystrophy, type 2J; MUSCULAR DYSTROPHY, LIMB-GIRDLE, AUTOSOMAL RECESSIVE 10. Identifiers: Orphanet 140922, MedGen C1837342, MONDO:0012127, OMIM 608807.

Allele frequency attached by ClinVar (database versions not stated): gnomAD exomes below 0.00001.
gnomAD v4.1: 1 of 1,613,974 alleles (0.000062%); highest among the groups gnomAD compares: Admixed American, 0.0017%; no homozygotes.

Submission:

Labcorp Genetics (formerly Invitae), Labcorp
Classification: Uncertain significance for Dilated cardiomyopathy 1G; Autosomal recessive limb-girdle muscular dystrophy type 2J. Last evaluated: 2024-01-29. Review status: criteria provided, single submitter. Criteria: Invitae Variant Classification Sherloc (09022015). Collection method: clinical testing. Allele origin: germline.
Comment: This sequence change replaces glutamic acid, which is acidic and polar, with glutamine, which is neutral and polar, at codon 35591 of the TTN protein (p.Glu35591Gln). This variant is present in population databases (no rsID available, gnomAD 0.003%). This variant has not been reported in the literature in individuals affected with TTN-related conditions. ClinVar contains an entry for this variant (Variation ID: 941412). Experimental studies and prediction algorithms are not available or were not evaluated, and the functional significance of this variant is currently unknown. This variant is located in the M band of TTN (PMID: 25589632). Non-truncating variants in this region may be relevant for neuromuscular disorders, but have not been definitively shown to cause cardiomyopathy (PMID: 23975875). In summary, the available evidence is currently insufficient to determine the role of this variant in disease. Therefore, it has been classified as a Variant of Uncertain Significance.

Literature cited by the submitters: PubMed 25589632; PubMed 23975875.